The following is an entry in ClinVar:

ClinVar aggregate classification (germline): Benign/Likely benign. Review status: criteria provided, multiple submitters, no conflicts (2 of 4 stars). 8 submissions from 5 submitters: Benign (5); Likely benign (3). Last evaluated 2025-12-03.

Conditions:
Fetal akinesia, respiratory insufficiency, microcephaly, polymicrogyria, and dysmorphic facies. Identifiers: MedGen C5562015, MONDO:0859204, OMIM 619602.
Developmental and epileptic encephalopathy 98. Identifiers: MedGen C5562017, MONDO:0030472, OMIM 619605.
Familial hemiplegic migraine. Identifiers: MedGen C0338484, MONDO:0000700.
Alternating hemiplegia of childhood 1 (AHC1). Identifiers: Orphanet 2131, MedGen C3549447, MONDO:0007087, OMIM 104290.
Migraine, familial hemiplegic, 2. Identifiers: Orphanet 569, MedGen C1865322, MONDO:0011232, OMIM 602481.

Allele frequency attached by ClinVar (database versions not stated): TOPMed 0.00001; gnomAD 0.00003.
gnomAD v4.1: 19 of 1,614,090 alleles (0.0012%); highest among the groups gnomAD compares: Middle Eastern, 0.016%; no homozygotes.

Submissions (8):

Women's Health and Genetics/Laboratory Corporation of America, LabCorp
Classification: Likely benign. Last evaluated: 2025-12-03. Review status: criteria provided, single submitter. Criteria: LabCorp Variant Classification Summary - May 2015. Collection method: clinical testing. Allele origin: germline.

Labcorp Genetics (formerly Invitae), Labcorp
Classification: Likely benign for Familial hemiplegic migraine. Last evaluated: 2025-02-06. Review status: criteria provided, single submitter. Criteria: Invitae Variant Classification Sherloc (09022015). Collection method: clinical testing. Allele origin: germline.

Blueprint Genetics
Classification: Likely benign. Last evaluated: 2024-05-07. Review status: criteria provided, single submitter. Criteria: ACMG Guidelines, 2015. Collection method: clinical testing. Allele origin: germline.

Genome-Nilou Lab
Classification: Benign for Alternating hemiplegia of childhood 1. Last evaluated: 2021-12-05. Review status: criteria provided, single submitter. Criteria: ACMG Guidelines, 2015. Collection method: clinical testing. Allele origin: germline. Affected: no.

Genome-Nilou Lab
Classification: Benign for Developmental and epileptic encephalopathy 98. Last evaluated: 2021-12-05. Review status: criteria provided, single submitter. Criteria: ACMG Guidelines, 2015. Collection method: clinical testing. Allele origin: germline. Affected: no.

Genome-Nilou Lab
Classification: Benign for Fetal akinesia, respiratory insufficiency, microcephaly, polymicrogyria, and dysmorphic facies. Last evaluated: 2021-12-05. Review status: criteria provided, single submitter. Criteria: ACMG Guidelines, 2015. Collection method: clinical testing. Allele origin: germline. Affected: no.

Genome-Nilou Lab
Classification: Benign for Migraine, familial hemiplegic, 2. Last evaluated: 2021-12-05. Review status: criteria provided, single submitter. Criteria: ACMG Guidelines, 2015. Collection method: clinical testing. Allele origin: germline. Affected: no.

GeneDx
Classification: Benign. Last evaluated: 2014-01-31. Review status: criteria provided, single submitter. Criteria: GeneDx Variant Classification (06012015). Collection method: clinical testing. Allele origin: germline. Affected: yes.
Comment: This variant is considered likely benign or benign based on one or more of the following criteria: it is a conservative change, it occurs at a poorly conserved position in the protein, it is predicted to be benign by multiple in silico algorithms, and/or has population frequency not consistent with disease.

NM_000702.4(ATP1A2):c.2937G>T (p.Pro979=)

Gene: ATP1A2 (ATPase Na+/K+ transporting subunit alpha 2; plus strand). Cytogenetic location: 1q23.2.
Variant type: single nucleotide variant.
Coding change: c.2937G>T on transcript NM_000702.4 (MANE Select); coding-DNA position 2937, G replaced by T.
Protein change: p.Pro979=; no amino-acid change (proline 979 retained).
Molecular consequence: synonymous variant.
Genome position (GRCh38, 1-based): chr1:160,139,736, G>T. VCF-style: chr1-160139736-G-T. GRCh37 (hg19) VCF-style: chr1-160109526-G-T.
Other names: p.P979P:CCG>CCT.
Identifiers: ClinVar variation 136456 (VCV000136456.13), dbSNP rs201879002, ClinGen allele CA289589.